The following is an entry in ClinVar:

NM_021116.4(ADCY1):c.897C>T (p.His299=)

Gene: ADCY1 (adenylate cyclase 1; plus strand). Cytogenetic location: 7p12.3.
Variant type: single nucleotide variant.
Coding change: c.897C>T on transcript NM_021116.4 (MANE Select); coding-DNA position 897, C replaced by T.
Protein change: p.His299=; no amino-acid change (histidine 299 retained).
Molecular consequence: synonymous variant.
Genome position (GRCh38, 1-based): chr7:45,610,486, C>T. VCF-style: chr7-45610486-C-T. GRCh37 (hg19) VCF-style: chr7-45650085-C-T.
Other names: c.222C>T, p.His74= (NM_001281768.2).
Identifiers: ClinVar variation 517530 (VCV000517530.15), dbSNP rs78087585, ClinGen allele CA4248792.

ClinVar aggregate classification (germline): Benign. Review status: criteria provided, multiple submitters, no conflicts (2 of 4 stars). 3 submissions from 3 submitters: Benign (3). Last evaluated 2026-01-01.

Allele frequency attached by ClinVar (database versions not stated): 1000 Genomes Project 30x 0.00234; 1000 Genomes Project 0.00280; gnomAD exomes 0.00321 and 0.00378; ExAC 0.00333; gnomAD 0.00433 and 0.00446; ESP Exome Variant Server 0.00469; TOPMed 0.00494.
gnomAD v4.1: 6,314 of 1,613,608 alleles (0.39%); highest among the groups gnomAD compares: Middle Eastern, 1.1%; 31 homozygotes.

Submissions (3):

Labcorp Genetics (formerly Invitae), Labcorp
Classification: Benign. Last evaluated: 2026-01-01. Review status: criteria provided, single submitter. Criteria: Invitae Variant Classification Sherloc (09022015). Collection method: clinical testing. Allele origin: germline.

GeneDx
Classification: Benign. Last evaluated: 2019-02-15. Review status: criteria provided, single submitter. Criteria: GeneDx Variant Classification Process June 2021. Collection method: clinical testing. Allele origin: germline. Affected: yes.

Laboratory for Molecular Medicine, Mass General Brigham Personalized Medicine
Classification: Benign. Last evaluated: 2017-08-23. Review status: criteria provided, single submitter. Criteria: LMM Criteria. Collection method: clinical testing. Allele origin: germline. Observed: 2 variant alleles.
Comment: p.His299His in exon 3 of ADCY1: This variant is not expected to have clinical si gnificance because it does not alter an amino acid residue, is not located withi n the splice consensus sequence, and has been identified in 0.62% (64/10396) of African chromosomes by the Exome Aggregation Consortium (ExAC; dbSNP rs78087585).